The following is an entry in ClinVar:

ClinVar aggregate classification (germline): Likely benign (0 of 4 stars; one submission).

Conditions:
MYO5B-related disorder. Also called: MYO5B-related condition.

Submission:

PreventionGenetics, part of Exact Sciences
Classification: Likely benign for MYO5B-related condition. Last evaluated: 2023-10-16. Review status: no assertion criteria provided. Collection method: clinical testing. Allele origin: germline.
Comment: This variant is classified as likely benign based on ACMG/AMP sequence variant interpretation guidelines (Richards et al. 2015 PMID: 25741868, with internal and published modifications).

NM_001080467.3(MYO5B):c.33A>C (p.Thr11=)

Gene: MYO5B (myosin VB; minus strand). Cytogenetic location: 18q21.1.
Variant type: single nucleotide variant.
Coding change: c.33A>C on transcript NM_001080467.3 (MANE Select); coding-DNA position 33, A replaced by C.
Protein change: p.Thr11=; no amino-acid change (threonine 11 retained).
Molecular consequence: synonymous variant.
Genome position (GRCh38, 1-based): chr18:50,055,373, T>G on the plus strand (A>C on the coding strand, the complement: MYO5B is on the minus strand). VCF-style: chr18-50055373-T-G. GRCh37 (hg19) VCF-style: chr18-47581743-T-G.
Identifiers: ClinVar variation 3032878 (VCV003032878.2), dbSNP rs767452828, ClinGen allele CA503942806.